The following is an entry in ClinVar:

ClinVar aggregate classification (germline): Uncertain significance (1 of 4 stars; one submission).

Conditions:
Intellectual developmental disorder, X-linked, syndromic, Hackmann-Di Donato type. Also called: MENTAL RETARDATION, X-LINKED, WITH MARFANOID HABITUS, 2. Identifiers: Orphanet 700325, MedGen C5393302, MONDO:0026733, OMIM 301039.

Submission:

Dasa
Classification: Uncertain significance for Intellectual developmental disorder, X-linked, syndromic, Hackmann-Di Donato type. Last evaluated: 2025-03-05. Review status: criteria provided, single submitter. Criteria: DASA Assertion Criteria. Collection method: clinical testing. Allele origin: germline.
Comment: NM_024528.4(NKAP):c.476A>C (p.Glu159Ala) is a missense variant that results in the substitution of glutamic acid with alanine. This variant is absent from population databases. Computational prediction algorithms are consistent with a benign effect. The currently available literature and clinical evidence are not sufficient to establish a definitive association between this variant and the reported condition. Therefore, this variant is classified as a variant of uncertain significance.

NM_024528.4(NKAP):c.476A>C (p.Glu159Ala)

Gene: NKAP (NFKB activating protein; minus strand). Cytogenetic location: Xq24.
Variant type: single nucleotide variant.
Coding change: c.476A>C on transcript NM_024528.4 (MANE Select); coding-DNA position 476, A replaced by C.
Protein change: p.Glu159Ala; replaces glutamic acid 159 with alanine.
Molecular consequence: missense variant.
Genome position (GRCh38, 1-based): chrX:119,936,674, T>G on the plus strand (A>C on the coding strand, the complement: NKAP is on the minus strand). VCF-style: chrX-119936674-T-G. GRCh37 (hg19) VCF-style: chrX-119070637-T-G.
Other names: short protein forms E159A.
Identifiers: ClinVar variation 4882296 (VCV004882296.2).
Genomic context (GRCh38, chrX:119,936,674, plus strand): 5'-TCTGAAGTAGAAGCTGAAGTAGTGCTTTTCTTTGGCTCTTCATCCTCCACTGGTGTATGT[T>G]CATCAGAACTGAATTTAAATAAAATGGTTATAAGAATTAGGAAAGTGATGAGATATGGAC-3'
Protein context (NP_078804.2, residues 149-169): SPKNPEPDSD[Glu159Ala]HTPVEDEEPK